The following is an entry in ClinVar:

ClinVar aggregate classification (germline): Uncertain significance. Review status: criteria provided, multiple submitters, no conflicts (2 of 4 stars). 5 submissions from 5 submitters: Uncertain significance (5). Last evaluated 2025-04-29.

Conditions:
Inborn genetic diseases. Identifiers: MedGen C0950123, MeSH D030342.
Intellectual developmental disorder, autosomal recessive 34, with variant lissencephaly. Also called: Intellectual disability, autosomal recessive 34. Identifiers: Orphanet 88616, MedGen C3281044, MONDO:0013785, OMIM 614499.

Allele frequency attached by ClinVar (database versions not stated): gnomAD 0.00007; ExAC 0.00007; TOPMed 0.00005; gnomAD exomes 0.00006.
gnomAD v4.1: 83 of 1,613,628 alleles (0.0051%); highest among the groups gnomAD compares: Admixed American, 0.0083%; no homozygotes.

Submissions (5):

Labcorp Genetics (formerly Invitae), Labcorp
Classification: Uncertain significance. Last evaluated: 2025-04-29. Review status: criteria provided, single submitter. Criteria: Invitae Variant Classification Sherloc (09022015). Collection method: clinical testing. Allele origin: germline.
Comment: This sequence change replaces arginine, which is basic and polar, with histidine, which is basic and polar, at codon 166 of the CRADD protein (p.Arg166His). This variant is present in population databases (rs746685035, gnomAD 0.02%). This variant has not been reported in the literature in individuals affected with CRADD-related conditions. ClinVar contains an entry for this variant (Variation ID: 434823). An algorithm developed to predict the effect of missense changes on protein structure and function (PolyPhen-2) suggests that this variant is likely to be tolerated. In summary, the available evidence is currently insufficient to determine the role of this variant in disease. Therefore, it has been classified as a Variant of Uncertain Significance.

Ambry Genetics
Classification: Uncertain significance for Inborn genetic diseases. Last evaluated: 2024-03-30. Review status: criteria provided, single submitter. Criteria: Ambry Variant Classification Scheme 2023. Collection method: clinical testing. Allele origin: germline.

Revvity Omics, Revvity
Classification: Uncertain significance for Intellectual developmental disorder, autosomal recessive 34, with variant lissencephaly. Last evaluated: 2022-10-04. Review status: criteria provided, single submitter. Criteria: ACMG Guidelines, 2015. Collection method: clinical testing. Allele origin: germline.

Baylor Genetics
Classification: Uncertain significance for Intellectual developmental disorder, autosomal recessive 34, with variant lissencephaly. Last evaluated: 2020-12-29. Review status: criteria provided, single submitter. Criteria: ACMG Guidelines, 2015. Collection method: clinical testing. Allele origin: unknown. Affected: yes.
Comment: This variant was determined to be of uncertain significance according to ACMG Guidelines, 2015 [PMID:25741868].

Genetic Services Laboratory, University of Chicago
Classification: Uncertain significance. Last evaluated: 2015-09-22. Review status: criteria provided, single submitter. Criteria: ACMG Guidelines, 2015. Collection method: clinical testing. Allele origin: germline. Affected: no.

NM_003805.5(CRADD):c.497G>A (p.Arg166His)

Gene: CRADD (CARD and death domain containing adaptor protein; plus strand). Cytogenetic location: 12q22.
Variant type: single nucleotide variant.
Coding change: c.497G>A on transcript NM_003805.5 (MANE Select); coding-DNA position 497, G replaced by A.
Protein change: p.Arg166His; replaces arginine 166 with histidine.
Molecular consequence: missense variant. On other transcripts: intron variant (1).
Genome position (GRCh38, 1-based): chr12:93,850,168, G>A. VCF-style: chr12-93850168-G-A. GRCh37 (hg19) VCF-style: chr12-94243944-G-A.
Other names: c.497G>A, p.Arg166His (NM_001320099.2); c.299-43882G>A (NM_001320100.2); short protein forms R166H.
Identifiers: ClinVar variation 434823 (VCV000434823.12), dbSNP rs746685035, ClinGen allele CA6720240.